The following is an entry in ClinVar:

NM_001943.5(DSG2):c.2893G>A (p.Glu965Lys)

Genes: DSG2-AS1 (DSG2 antisense RNA 1; minus strand), DSG2 (desmoglein 2; plus strand). Cytogenetic location: 18q12.1.
Variant type: single nucleotide variant.
Coding change: c.2893G>A on transcript NM_001943.5 (MANE Select); coding-DNA position 2893, G replaced by A.
Protein change: p.Glu965Lys; replaces glutamic acid 965 with lysine.
Molecular consequence: missense variant.
Genome position (GRCh38, 1-based): chr18:31,546,279, G>A. VCF-style: chr18-31546279-G-A. GRCh37 (hg19) VCF-style: chr18-29126242-G-A.
Other names: short protein forms E965K.
Identifiers: ClinVar variation 1485057 (VCV001485057.9), dbSNP rs1326783146, ClinGen allele CA402147268.
Genomic context (GRCh38, chr18:31,546,279, plus strand): 5'-ACTATGCCACCAACCACTGTGATCCTGGGTCCTAGCCAGCCACAGAGCCTTATTGTGACA[G>A]AGAGGGTGTATGCTCCAGCTTCTACCTTGGTAGATCAGCCTTATGCTAATGAAGGTACAG-3'
Protein context (NP_001934.2, residues 955-975): PSQPQSLIVT[Glu965Lys]RVYAPASTLV

ClinVar aggregate classification (germline): Uncertain significance. Review status: criteria provided, multiple submitters, no conflicts (2 of 4 stars). 2 submissions from 2 submitters: Uncertain significance (2). Last evaluated 2025-03-26.

Conditions:
Arrhythmogenic right ventricular cardiomyopathy (ARVD). Also called: Cardiomyopathy, ARVC; Arrhythmogenic right ventricular dysplasia; Arrhythmogenic cardiomyopathy; Arrhythmogenic Right Ventricular Cardiomyopathy (ARVC). Identifiers: Orphanet 247, MedGen C0349788, MeSH D019571, MONDO:0016587. Disease mechanism: loss of function. Inheritance: Various modes of inheritance.
Arrhythmogenic right ventricular dysplasia 10. Also called: Arrhythmogenic right ventricular dysplasia/cardiomyopathy, type 10; Arrhythmogenic Right Ventricular Dysplasia/Cardiomyopathy10; ARRHYTHMOGENIC RIGHT VENTRICULAR DYSPLASIA, FAMILIAL, 10. Identifiers: MedGen C1857777, MONDO:0012434, OMIM 610193.

Submissions (2):

Labcorp Genetics (formerly Invitae), Labcorp
Classification: Uncertain significance for Arrhythmogenic right ventricular dysplasia 10. Last evaluated: 2025-03-26. Review status: criteria provided, single submitter. Criteria: Invitae Variant Classification Sherloc (09022015). Collection method: clinical testing. Allele origin: germline.
Comment: This sequence change replaces glutamic acid, which is acidic and polar, with lysine, which is basic and polar, at codon 965 of the DSG2 protein (p.Glu965Lys). This variant is not present in population databases (gnomAD no frequency). This variant has not been reported in the literature in individuals affected with DSG2-related conditions. ClinVar contains an entry for this variant (Variation ID: 1485057). Invitae Evidence Modeling of protein sequence and biophysical properties (such as structural, functional, and spatial information, amino acid conservation, physicochemical variation, residue mobility, and thermodynamic stability) has been performed for this missense variant. However, the output from this modeling did not meet the statistical confidence thresholds required to predict the impact of this variant on DSG2 protein function. In summary, the available evidence is currently insufficient to determine the role of this variant in disease. Therefore, it has been classified as a Variant of Uncertain Significance.

All of Us Research Program, National Institutes of Health
Classification: Uncertain significance for Arrhythmogenic right ventricular cardiomyopathy. Last evaluated: 2023-04-10. Review status: criteria provided, single submitter. Criteria: ACMG Guidelines, 2015. Collection method: clinical testing. Allele origin: germline. Inheritance: Autosomal dominant inheritance. Observed: 1 variant allele, 1 heterozygote.
Comment: This missense variant replaces glutamic acid with lysine at codon 965 of the DSG2 protein. Computational prediction suggests that this variant may have deleterious impact on protein structure and function (internally defined REVEL score threshold >= 0.7, PMID: 27666373). To our knowledge, functional studies have not been reported for this variant. This variant has not been reported in individuals affected with DSG2-related disorders in the literature. This variant has not been identified in the general population by the Genome Aggregation Database (gnomAD). The available evidence is insufficient to determine the role of this variant in disease conclusively. Therefore, this variant is classified as a Variant of Uncertain Significance.

This study involves interpretation of variants in research participants for the purpose of population health screening. Participant phenotype was not available at the time of variant classification. Additional details can be found in publication PMID: 35346344, PMCID: PMC8962531